The following is an entry in ClinVar:

ClinVar aggregate classification (germline): Uncertain significance (1 of 4 stars; one submission).

Conditions:
Growth hormone insensitivity with immune dysregulation 1, autosomal recessive. Also called: GROWTH HORMONE INSENSITIVITY SYNDROME WITH IMMUNE DYSREGULATION 1, AUTOSOMAL RECESSIVE; GROWTH HORMONE INSENSITIVITY DUE TO POSTRECEPTOR DEFECT; LARON SYNDROME DUE TO POSTRECEPTOR DEFECT; Laron syndrome with immunodeficiency. Identifiers: Orphanet 220465, MedGen C5435698, MONDO:0100211, OMIM 245590.

Allele frequency attached by ClinVar (database versions not stated): ExAC 0.00002; gnomAD 0.00002 and 0.00003; gnomAD exomes 0.00002 and 0.00003; TOPMed 0.00002.
gnomAD v4.1: 35 of 1,614,016 alleles (0.0022%); highest among the groups gnomAD compares: South Asian, 0.014%; 1 homozygote.

Submission:

Labcorp Genetics (formerly Invitae), Labcorp
Classification: Uncertain significance for Growth hormone insensitivity with immune dysregulation 1, autosomal recessive. Last evaluated: 2025-10-26. Review status: criteria provided, single submitter. Criteria: Invitae Variant Classification Sherloc (09022015). Collection method: clinical testing. Allele origin: germline.
Comment: This sequence change replaces methionine, which is neutral and non-polar, with valine, which is neutral and non-polar, at codon 777 of the STAT5B protein (p.Met777Val). This variant is present in population databases (rs765607800, gnomAD 0.01%). This variant has not been reported in the literature in individuals affected with STAT5B-related conditions. ClinVar contains an entry for this variant (Variation ID: 1438090). An algorithm developed to predict the effect of missense changes on protein structure and function (PolyPhen-2) suggests that this variant is likely to be tolerated. In summary, the available evidence is currently insufficient to determine the role of this variant in disease. Therefore, it has been classified as a Variant of Uncertain Significance.

NM_012448.4(STAT5B):c.2329A>G (p.Met777Val)

Gene: STAT5B (signal transducer and activator of transcription 5B; minus strand). Cytogenetic location: 17q21.2.
Variant type: single nucleotide variant.
Coding change: c.2329A>G on transcript NM_012448.4 (MANE Select); coding-DNA position 2329, A replaced by G.
Protein change: p.Met777Val; replaces methionine 777 with valine.
Molecular consequence: missense variant.
Genome position (GRCh38, 1-based): chr17:42,201,773, T>C on the plus strand (A>G on the coding strand, the complement: STAT5B is on the minus strand). VCF-style: chr17-42201773-T-C. GRCh37 (hg19) VCF-style: chr17-40353791-T-C.
Other names: short protein forms M777V.
Identifiers: ClinVar variation 1438090 (VCV001438090.8), dbSNP rs765607800, ClinGen allele CA8573796.